The following is an entry in ClinVar:

NM_001029883.3(PCARE):c.958_959insA (p.Arg320fs)

Gene: PCARE (photoreceptor cilium actin regulator; minus strand). Cytogenetic location: 2p23.2.
Variant type: Insertion.
Coding change: c.958_959insA on transcript NM_001029883.3 (MANE Select); coding-DNA positions 958 to 959, A inserted.
Protein change: p.Arg320fs; shifts the reading frame from arginine 320.
Molecular consequence: frameshift variant.
Genome position: GRCh38 VCF-style: chr2-29073303-C-CT. GRCh37 (hg19) VCF-style: chr2-29296169-C-CT.
Other names: short protein forms R320fs.
Identifiers: ClinVar variation 4531215 (VCV004531215.1).

ClinVar aggregate classification (germline): Likely pathogenic (1 of 4 stars; one submission).

Conditions:
Retinitis pigmentosa 54 (RP54). Identifiers: Orphanet 791, MedGen C3150691, MONDO:0013263, OMIM 613428.

Submission:

Juno Genomics, Hangzhou Juno Genomics, Inc
Classification: Likely pathogenic for Retinitis pigmentosa 54. Review status: criteria provided, single submitter. Criteria: ACMG Guidelines, 2015. Collection method: clinical testing. Allele origin: germline. Affected: yes.
Comment: Absent from controls (or at extremely low frequency if recessive) in Genome Aggregation Database, Exome Sequencing Project, 1000 Genomes Project, or Exome Aggregation Consortium.;Null variant in a gene where loss of function (LOF) is a known mechanism of disease.